The following is an entry in ClinVar:

NM_007294.4(BRCA1):c.1058_1062del (p.Glu352_Trp353insTer)

Gene: BRCA1 (BRCA1 DNA repair associated; minus strand). Cytogenetic location: 17q21.31.
Variant type: Deletion.
Coding change: c.1058_1062del on transcript NM_007294.4 (MANE Select); coding-DNA positions 1058 to 1062, 5 bases deleted (GGAAT; older notation c.1058_1062delGGAAT).
Protein change: p.Glu352_Trp353insTer.
Molecular consequence: nonsense. On other transcripts: intron variant (137), frameshift variant (2).
Genome position (GRCh38, 1-based): chr17:43,094,469-43,094,473, ATTCC deleted on the plus strand (GGAAT on the coding strand, the reverse complement: BRCA1 is on the minus strand); deleting any 5 consecutive bases within chr17:43,094,469-43,094,477 gives the same sequence; the c. name uses the placement nearest the transcript's 3' end. VCF-style (leftmost placement, unchanged base first): chr17-43094468-TATTCC-T. GRCh37 (hg19) VCF-style: chr17-41246485-TATTCC-T.
Other names: c.848_852del, p.Glu282_Trp283insTer (NM_001407904.1, NM_001407907.1, NM_001407908.1 and 13 more transcripts); c.787+271_787+275del (NM_001407973.1, NM_001407980.1, NM_001407993.1 and 19 more transcripts); c.404-3441_404-3437del (NM_001408511.1); c.520+271_520+275del (NM_001408505.1, NM_001408503.1, NM_001408504.1); c.545-3441_545-3437del (NM_001408495.1); c.646+271_646+275del (NM_001408457.1, NM_001408458.1, NM_001408469.1 and 11 more transcripts); c.460+1373_460+1377del (NM_001408507.1, NM_001408506.1); c.661+271_661+275del (NM_001408448.1, NM_001408446.1, NM_001408435.1 and 6 more transcripts); and 42 more.
Identifiers: ClinVar variation 531224 (VCV000531224.12), dbSNP rs1555592576, ClinGen allele CA658798851.

ClinVar aggregate classification (germline): Pathogenic. Review status: criteria provided, multiple submitters, no conflicts (2 of 4 stars). 3 submissions from 3 submitters: Pathogenic (3). Last evaluated 2025-01-19.

Conditions:
Hereditary breast ovarian cancer syndrome. Also called: Hereditary breast and ovarian cancer syndrome (HBOC); BRCA1- and BRCA2-Associated Hereditary Breast and Ovarian Cancer; Hereditary breast and ovarian cancer syndrome; Breast and ovarian cancer; Hereditary breast and ovarian cancer; Hereditary breast and/or ovarian cancer syndrome. Identifiers: Orphanet 145, MedGen C0677776, MeSH D061325, MONDO:0003582. Disease mechanism: loss of function.
Hereditary cancer-predisposing syndrome. Also called: Hereditary neoplastic syndrome; Neoplastic Syndromes, Hereditary; Tumor predisposition; Hereditary Cancer Syndrome. Identifiers: Orphanet 140162, MedGen C0027672, MeSH D009386, MONDO:0015356.

Submissions (3):

Labcorp Genetics (formerly Invitae), Labcorp
Classification: Pathogenic for Hereditary breast ovarian cancer syndrome. Last evaluated: 2025-01-19. Review status: criteria provided, single submitter. Criteria: Invitae Variant Classification Sherloc (09022015). Collection method: clinical testing. Allele origin: germline.
Comment: This sequence change creates a premature translational stop signal (p.Trp353*) in the BRCA1 gene. It is expected to result in an absent or disrupted protein product. Loss-of-function variants in BRCA1 are known to be pathogenic (PMID: 20104584). This variant is not present in population databases (gnomAD no frequency). This premature translational stop signal has been observed in individual(s) with BRCA1-related conditions (PMID: 9150154, 25452441). ClinVar contains an entry for this variant (Variation ID: 531224). For these reasons, this variant has been classified as Pathogenic.

Ambry Genetics
Classification: Pathogenic for Hereditary cancer-predisposing syndrome. Last evaluated: 2024-11-04. Review status: criteria provided, single submitter. Criteria: Ambry Variant Classification Scheme 2023. Collection method: clinical testing. Allele origin: germline.
Comment: The c.1058_1062delGGAAT pathogenic mutation, located in coding exon 9 of the BRCA1 gene, results from a deletion of 5 nucleotides at nucleotide positions 1058 to 1062, causing a translational frameshift with a predicted alternate stop codon (p.W353*). This variant is considered to be rare based on population cohorts in the Genome Aggregation Database (gnomAD). This alteration is expected to result in loss of function by premature protein truncation or nonsense-mediated mRNA decay. As such, this alteration is interpreted as a disease-causing mutation.

Quest Diagnostics Nichols Institute San Juan Capistrano
Classification: Pathogenic. Last evaluated: 2018-10-04. Review status: criteria provided, single submitter. Criteria: Quest Diagnostics criteria. Collection method: clinical testing. Allele origin: unknown.
Comment: This frameshift variant causes the premature termination of BRCA1 protein synthesis. To the best of our knowledge, the variant has not been reported in the published literature; however, related truncating mutations at this codon have also been described as being pathogenic in families affected with breast and/or ovarian cancer in the published literature (PMIDs: 9150154 (1997), 25452441 (2015), 29310832 (2018), and 29339979 (2018)). Based on the available information, this variant is classified as pathogenic.

Literature cited by the submitters: PubMed 20104584 (cited by Labcorp Genetics (formerly Invitae), Labcorp); PubMed 9150154 (cited by Labcorp Genetics (formerly Invitae), Labcorp); PubMed 25452441 (cited by Labcorp Genetics (formerly Invitae), Labcorp).